The following is an entry in ClinVar:

ClinVar aggregate classification (germline): Uncertain significance (1 of 4 stars; one submission).

Conditions:
Inborn genetic diseases. Identifiers: MedGen C0950123, MeSH D030342.

Submission:

Ambry Genetics
Classification: Uncertain significance for Inborn genetic diseases. Last evaluated: 2026-04-22. Review status: criteria provided, single submitter. Criteria: Ambry Variant Classification Scheme 2023. Collection method: clinical testing. Allele origin: germline.
Comment: The p.G254S variant (also known as c.760G>A), located in coding exon 2 of the WT1 gene, results from a G to A substitution at nucleotide position 760. The glycine at codon 254 is replaced by serine, an amino acid with similar properties. This amino acid position is conserved. In addition, this alteration is predicted to be tolerated by in silico analysis. Based on the available evidence, the clinical significance of this variant remains unclear.

NM_024426.6(WT1):c.775G>A (p.Gly259Ser)

Gene: WT1 (WT1 transcription factor; minus strand). Cytogenetic location: 11p13.
Variant type: single nucleotide variant.
Coding change: c.775G>A on transcript NM_024426.6 (MANE Select); coding-DNA position 775, G replaced by A.
Protein change: p.Gly259Ser; replaces glycine 259 with serine.
Molecular consequence: missense variant. On other transcripts: non-coding transcript variant (2), intron variant (2).
Genome position (GRCh38, 1-based): chr11:32,428,506, C>T on the plus strand (G>A on the coding strand, the complement: WT1 is on the minus strand). VCF-style: chr11-32428506-C-T. GRCh37 (hg19) VCF-style: chr11-32450052-C-T.
Other names: c.775G>A, p.Gly259Ser (NM_000378.6, NM_001407044.1, NM_001407045.1 and 4 more transcripts); c.124G>A, p.Gly42Ser (NM_001198551.2, NM_001198552.2); c.13G>A, p.Gly5Ser (NM_001407051.1); c.556G>A, p.Gly186Ser (NM_001429031.1, NM_001429032.1, NM_001429033.1 and 1 more transcripts); c.662-448G>A (NM_001407050.1, NM_001407047.1); short protein forms G186S, G254S, G259S, G42S, G5S.
Identifiers: ClinVar variation 4866799 (VCV004866799.1).
Genomic context (GRCh38, chr11:32,428,506, plus strand): 5'-GGATAGCACGGAAGAAGGGGAGAAGGACTCCACTTGGTTCCGCTCGCTTACCCAGCGAGC[C>T]CTGCTGGCCCATGGGATCCTCATGCTTGAATGAGTGGTTGGGGAACTGCGCCGCATGGTG-3'
Protein context (NP_077744.4, residues 249-269): FKHEDPMGQQ[Gly259Ser]SLGEQQYSVP